The following is an entry in ClinVar:

NM_006941.4(SOX10):c.-23C>T

Genes: POLR2F (RNA polymerase II, I and III subunit F; plus strand), SOX10 (SRY-box transcription factor 10; minus strand). Cytogenetic location: 22q13.1.
Variant type: single nucleotide variant.
Coding change: c.-23C>T on transcript NM_006941.4 (MANE Select); 23 bases upstream of the start codon, C replaced by T.
Molecular consequence: 5 prime UTR variant. On other transcripts: intron variant (3).
Genome position (GRCh38, 1-based): chr22:37,983,807, G>A on the plus strand (C>T on the coding strand, the complement: SOX10 is on the minus strand). VCF-style: chr22-37983807-G-A. GRCh37 (hg19) VCF-style: chr22-38379814-G-A.
Other names: c.*38+11497G>A (NM_001363825.1); c.294-2347G>A (NM_001301130.2); c.293+16637G>A (NM_001301131.2).
Identifiers: ClinVar variation 681895 (VCV000681895.3), dbSNP rs1456882416, ClinGen allele CA639210323.
Genomic context (GRCh38, chr22:37,983,807, plus strand): 5'-CTCAGCTCCACCTCCGATAGGTCCTGCTCCTCCGCCATGTCGCCCCCGGCCGCCGCCGCC[G>A]CCGCCTCGGCCGCCTCCCCCGGGCCAGCCGCCGGGGTCCTCGCAAAGAGTCCAACGCCCA-3'

ClinVar aggregate classification (germline): Likely benign (1 of 4 stars; one submission).

Allele frequency attached by ClinVar (database versions not stated): gnomAD exomes 0.00001 and 0.00003.
gnomAD v4.1: 2 of 1,405,640 alleles (0.00014%); highest among the groups gnomAD compares: Admixed American, 0.0027%; no homozygotes.

Submission:

GeneDx
Classification: Likely benign. Last evaluated: 2018-04-11. Review status: criteria provided, single submitter. Criteria: GeneDx Variant Classification (06012015). Collection method: clinical testing. Allele origin: germline. Affected: yes.
Comment: This variant is considered likely benign or benign based on one or more of the following criteria: it is a conservative change, it occurs at a poorly conserved position in the protein, it is predicted to be benign by multiple in silico algorithms, and/or has population frequency not consistent with disease.